The following is an entry in ClinVar:

NC_000017.10:g.(?_15133084)_(15134407_?)del

Gene: PMP22 (peripheral myelin protein 22; minus strand). Cytogenetic location: 17p12.
Variant type: Deletion.
Identifiers: ClinVar variation 1402707 (VCV001402707.5).

ClinVar aggregate classification (germline): Pathogenic (1 of 4 stars; one submission).

Conditions:
Charcot-Marie-Tooth disease, type I (CMT1). Also called: Charcot-Marie-Tooth, Type 1; Charcot-Marie-Tooth disease type 1. Identifiers: Orphanet 65753, MedGen C0751036, MONDO:0019011.

Submission:

Labcorp Genetics (formerly Invitae), Labcorp
Classification: Pathogenic for Charcot-Marie-Tooth disease, type I. Last evaluated: 2021-08-12. Review status: criteria provided, single submitter. Criteria: Invitae Variant Classification Sherloc (09022015). Collection method: clinical testing. Allele origin: germline.
Comment: This variant is a gross deletion of the genomic region encompassing exon(s) 5 of the PMP22 gene, which includes the termination codon. This deletion extends beyond the assayed region for this gene and therefore may encompass additional genes. While this deletion is not anticipated to lead to nonsense mediated decay, it is expected to alter mRNA translation or result in a truncated protein product. A similar copy number variant has been observed in individuals with PMP22-related neuropathies (PMID: 20739940, 22190321; Invitae). For these reasons, this variant has been classified as Pathogenic.

Literature cited by the submitters: PubMed 20739940; PubMed 22190321.